The following is an entry in ClinVar:

ClinVar aggregate classification (germline): Uncertain significance (1 of 4 stars; one submission).

Conditions:
Takenouchi-Kosaki syndrome. Also called: Macrothrombocytopenia-lymphedema-developmental delay-facial dysmorphism-camptodactyly syndrome; MACROTHROMBOCYTOPENIA AND MENTAL RETARDATION SYNDROME. Identifiers: Orphanet 487796, MedGen C4225222, MONDO:0014757, OMIM 616737.

Submission:

Juno Genomics, Hangzhou Juno Genomics, Inc
Classification: Uncertain significance for Takenouchi-Kosaki syndrome. Review status: criteria provided, single submitter. Criteria: ACMG Guidelines, 2015. Collection method: clinical testing. Allele origin: germline.
Comment: Absent from controls (or at extremely low frequency if recessive) in Genome Aggregation Database.;Multiple lines of computational evidence support a deleterious effect on the gene or gene product.

NM_001791.4(CDC42):c.100C>T (p.Pro34Ser)

Gene: CDC42 (cell division cycle 42; plus strand). Cytogenetic location: 1p36.12.
Variant type: single nucleotide variant.
Coding change: c.100C>T on transcript NM_001791.4 (MANE Select); coding-DNA position 100, C replaced by T.
Protein change: p.Pro34Ser; replaces proline 34 with serine.
Molecular consequence: missense variant.
Genome position (GRCh38, 1-based): chr1:22,078,578, C>T. VCF-style: chr1-22078578-C-T. GRCh37 (hg19) VCF-style: chr1-22405071-C-T.
Other names: c.100C>T, p.Pro34Ser (NM_001039802.2, NM_044472.3); short protein forms P34S.
Identifiers: ClinVar variation 5006137 (VCV005006137.2).